The following is an entry in ClinVar:

ClinVar aggregate classification (germline): Uncertain significance (1 of 4 stars; one submission).

gnomAD v4.1: 6 of 1,613,910 alleles (0.00037%); highest among the groups gnomAD compares: Non-Finnish European, 0.00051%; no homozygotes.

Submission:

Women's Health and Genetics/Laboratory Corporation of America, LabCorp
Classification: Uncertain significance. Last evaluated: 2024-06-12. Review status: criteria provided, single submitter. Criteria: LabCorp Variant Classification Summary - May 2015. Collection method: clinical testing. Allele origin: germline.
Comment: Variant summary: ABCA7 c.5401G>C (p.Val1801Leu) results in a conservative amino acid change in the encoded protein sequence. Three of five in-silico tools predict a benign effect of the variant on protein function. The variant was absent in 250540 control chromosomes. The available data on variant occurrences in the general population are insufficient to allow any conclusion about variant significance. To our knowledge, no occurrence of c.5401G>C in individuals affected with Alzheimer Disease, Type 9 and no experimental evidence demonstrating its impact on protein function have been reported. No submitters have cited clinical-significance assessments for this variant to ClinVar. Based on the evidence outlined above, the variant was classified as uncertain significance.

NM_019112.4(ABCA7):c.5401G>C (p.Val1801Leu)

Gene: ABCA7 (ATP binding cassette subfamily A member 7; plus strand). Cytogenetic location: 19p13.3.
Variant type: single nucleotide variant.
Coding change: c.5401G>C on transcript NM_019112.4 (MANE Select); coding-DNA position 5401, G replaced by C.
Protein change: p.Val1801Leu; replaces valine 1801 with leucine.
Molecular consequence: missense variant.
Genome position (GRCh38, 1-based): chr19:1,059,023, G>C. VCF-style: chr19-1059023-G-C. GRCh37 (hg19) VCF-style: chr19-1059022-G-C.
Other names: short protein forms V1801L.
Identifiers: ClinVar variation 3339598 (VCV003339598.1).
Genomic context (GRCh38, chr19:1,059,023, plus strand): 5'-CTGGGTGGGGGGTGCTCCCACTGGCCCACTCACCTTTCTGAAAGACCTGCACTCTCCCAG[G>C]TATACCGTGGGCAGAGGATGCCAGCTGTTGACCGCTTGTGCCTGGGGATTCCCCCTGGTG-3'
Protein context (NP_061985.2, residues 1791-1811): DVLVLRNLTK[Val1801Leu]YRGQRMPAVD